The following is an entry in ClinVar:

NM_000352.6(ABCC8):c.3330-2A>G

Gene: ABCC8 (ATP binding cassette subfamily C member 8; minus strand). Cytogenetic location: 11p15.1.
Variant type: single nucleotide variant.
Coding change: c.3330-2A>G on transcript NM_000352.6 (MANE Select); the canonical splice acceptor site of the intron before coding-DNA position 3330, A replaced by G.
Molecular consequence: splice acceptor variant.
Genome position (GRCh38, 1-based): chr11:17,405,565, T>C on the plus strand (A>G on the coding strand, the complement: ABCC8 is on the minus strand). VCF-style: chr11-17405565-T-C. GRCh37 (hg19) VCF-style: chr11-17427112-T-C.
Other names: c.3330-2A>G (NM_001351296.2); c.3396-2A>G (NM_001351295.2); c.3333-2A>G (NM_001287174.3); c.3327-2A>G (NM_001351297.2).
Identifiers: ClinVar variation 3906152 (VCV003906152.1).

ClinVar aggregate classification (germline): Likely pathogenic (1 of 4 stars; one submission).

Conditions:
Hyperinsulinemic hypoglycemia, familial, 1 (HHF1). Also called: Persistent hyperinsulinemic hypoglycemia of infancy; Persistent Hyperinsulinemia Hypoglycemia of Infancy; HYPERINSULINISM, FAMILIAL, WITH PANCREATIC NESIDIOBLASTOSIS; HYPOGLYCEMIA, HYPERINSULINEMIC, OF INFANCY; NESIDIOBLASTOSIS OF PANCREAS. Identifiers: Orphanet 276575, Orphanet 276598, MedGen C2931832, MONDO:0009734, OMIM 256450.

Submission:

Department of Human Genetics, Hannover Medical School
Classification: Likely pathogenic for Hyperinsulinemic hypoglycemia, familial, 1. Last evaluated: 2025-06-20. Review status: criteria provided, single submitter. Criteria: ACMG Guidelines, 2015. Collection method: clinical testing. Allele origin: germline. Affected: yes.
Comment: PVS1, PM2_Supporting